The following is an entry in ClinVar:

NM_000051.4(ATM):c.3218dup (p.Phe1074fs)

Gene: ATM (ATM serine/threonine kinase; plus strand). Cytogenetic location: 11q22.3.
Variant type: Duplication.
Coding change: c.3218dup on transcript NM_000051.4 (MANE Select); coding-DNA position 3218, one base duplicated (T; older notation c.3218dupT).
Protein change: p.Phe1074fs; shifts the reading frame from phenylalanine 1074.
Molecular consequence: frameshift variant.
Genome position (GRCh38, 1-based): chr11:108,272,786, T duplicated. VCF-style (leftmost placement, unchanged base first): chr11-108272785-G-GT. GRCh37 (hg19) VCF-style: chr11-108143512-G-GT.
Other names: c.3218dup, p.Phe1074fs (NM_001351834.2); c.3218dupT (NM_000051.3, NM_000051.4); short protein forms F1074fs.
Identifiers: ClinVar variation 233935 (VCV000233935.56), dbSNP rs876660741, ClinGen allele CA10579090.

ClinVar aggregate classification (germline): Pathogenic/Likely pathogenic. Review status: criteria provided, multiple submitters, no conflicts (2 of 4 stars). 5 submissions from 5 submitters: Pathogenic (4); Likely pathogenic (1). Last evaluated 2025-02-17.

Conditions:
Hereditary cancer-predisposing syndrome. Also called: Neoplastic Syndromes, Hereditary; Hereditary Cancer Syndrome; Tumor predisposition; Hereditary neoplastic syndrome. Identifiers: Orphanet 140162, MedGen C0027672, MeSH D009386, MONDO:0015356.
Familial cancer of breast. Also called: Hereditary breast cancer; hereditary breast carcinoma; BREAST CANCER, FAMILIAL. Identifiers: Orphanet 227535, MedGen C0346153, MONDO:0016419, OMIM 114480. Disease mechanism: loss of function.
Ataxia-telangiectasia syndrome (AT). Also called: Cerebello-oculocutaneous telangiectasia; Immunodeficiency with ataxia telangiectasia; Ataxia-telangiectasia, complementation group D; AT, COMPLEMENTATION GROUP C; Ataxia-telangiectasia, complementation group E; Ataxia-telangiectasia. Identifiers: Orphanet 100, MedGen C0004135, MONDO:0008840, OMIM 208900.

Submissions (5):

Ambry Genetics
Classification: Pathogenic for Hereditary cancer-predisposing syndrome. Last evaluated: 2025-02-17. Review status: criteria provided, single submitter. Criteria: Ambry Variant Classification Scheme 2023. Collection method: clinical testing. Allele origin: germline.
Comment: The c.3218dupT pathogenic mutation, located in coding exon 21 of the ATM gene, results from a duplication of T at nucleotide position 3218, causing a translational frameshift with a predicted alternate stop codon (p.F1074Ifs*7). This variant is considered to be rare based on population cohorts in the Genome Aggregation Database (gnomAD). This alteration is expected to result in loss of function by premature protein truncation or nonsense-mediated mRNA decay. As such, this alteration is interpreted as a disease-causing mutation.

Labcorp Genetics (formerly Invitae), Labcorp
Classification: Pathogenic for Ataxia-telangiectasia syndrome. Last evaluated: 2024-04-10. Review status: criteria provided, single submitter. Criteria: Invitae Variant Classification Sherloc (09022015). Collection method: clinical testing. Allele origin: germline.
Comment: This sequence change creates a premature translational stop signal (p.Phe1074Ilefs*7) in the ATM gene. It is expected to result in an absent or disrupted protein product. Loss-of-function variants in ATM are known to be pathogenic (PMID: 23807571, 25614872). This variant is not present in population databases (gnomAD no frequency). This variant has not been reported in the literature in individuals affected with ATM-related conditions. ClinVar contains an entry for this variant (Variation ID: 233935). For these reasons, this variant has been classified as Pathogenic.

Women's Health and Genetics/Laboratory Corporation of America, LabCorp
Classification: Pathogenic for Ataxia-telangiectasia syndrome. Last evaluated: 2024-03-11. Review status: criteria provided, single submitter. Criteria: LabCorp Variant Classification Summary - May 2015. Collection method: clinical testing. Allele origin: germline.
Comment: Variant summary: ATM c.3218dupT (p.Phe1074IlefsX7) results in a premature termination codon, predicted to cause a truncation of the encoded protein or absence of the protein due to nonsense mediated decay, which are commonly known mechanisms for disease. The variant was absent in 251364 control chromosomes. c.3218dupT has been reported in the literature in an individual affected with Ovarian Cancer (example, Lilyquist_2017). The following publication has been ascertained in the context of this evaluation (PMID: 28888541). ClinVar contains an entry for this variant (Variation ID: 233935). Based on the evidence outlined above, the variant was classified as pathogenic.

Myriad Genetics, Inc.
Classification: Pathogenic for Familial cancer of breast. Last evaluated: 2024-01-19. Review status: criteria provided, single submitter. Criteria: Myriad Autosomal Dominant, Autosomal Recessive and X-Linked Classification Criteria (2023). Collection method: clinical testing. Allele origin: unknown.
Comment: This variant is considered pathogenic. This variant creates a frameshift predicted to result in premature protein truncation.

CeGaT Center for Human Genetics Tuebingen
Classification: Likely pathogenic. Last evaluated: 2016-11-01. Review status: criteria provided, single submitter. Criteria: CeGaT Center For Human Genetics Tuebingen Variant Classification Criteria Version 2. Collection method: clinical testing. Allele origin: germline. Affected: yes. Observed: 1 variant allele.

Literature cited by the submitters: PubMed 23807571 (cited by Labcorp Genetics (formerly Invitae), Labcorp); PubMed 25614872 (cited by Labcorp Genetics (formerly Invitae), Labcorp); PubMed 28888541 (cited by Women's Health and Genetics/Laboratory Corporation of America, LabCorp).